The following is an entry in ClinVar:

ClinVar aggregate classification (germline): Benign. Review status: criteria provided, multiple submitters, no conflicts (2 of 4 stars). 2 submissions from 2 submitters: Benign (2). Last evaluated 2018-01-12.

Conditions:
NAFLD1 (FLD1). Also called: FATTY LIVER DISEASE, SUSCEPTIBILITY TO, 1; Fatty liver disease, nonalcoholic 1. Identifiers: MedGen C2750440, MONDO:0021105, OMIM 613282.

Allele frequency attached by ClinVar (database versions not stated): gnomAD exomes 0.00251; ExAC 0.00461; ESP Exome Variant Server 0.01044; gnomAD 0.01073 and 0.01148; TOPMed 0.01201; 1000 Genomes Project 0.01258; 1000 Genomes Project 30x 0.01265.
gnomAD v4.1: 3,268 of 1,529,776 alleles (0.21%); highest among the groups gnomAD compares: African/African-American, 4%; 80 homozygotes.

Submissions (2):

Illumina Laboratory Services, Illumina
Classification: Benign for NAFLD1. Last evaluated: 2018-01-12. Review status: criteria provided, single submitter. Criteria: ICSL Variant Classification Criteria 13 December 2019. Collection method: clinical testing. Allele origin: germline.
Comment: This variant was observed in the ICSL laboratory as part of a predisposition screen in an ostensibly healthy population. It had not been previously curated by ICSL or reported in the Human Gene Mutation Database (HGMD: prior to June 1st, 2018), and was therefore a candidate for classification through an automated scoring system. Utilizing variant allele frequency, disease prevalence and penetrance estimates, and inheritance mode, an automated score was calculated to assess if this variant is too frequent to cause the disease. Based on the score and internal cut-off values, a variant classified as benign is not then subjected to further curation. The score for this variant resulted in a classification of benign for this disease.

Breakthrough Genomics
Classification: Benign. Review status: criteria provided, single submitter. Criteria: ACMG Guidelines, 2015. Collection method: not provided. Allele origin: germline. Inheritance: Unknown mechanism. Affected: yes.

NM_025225.3(PNPLA3):c.187+12G>A

Gene: PNPLA3 (patatin like domain 3, 1-acylglycerol-3-phosphate O-acyltransferase; plus strand). Cytogenetic location: 22q13.31.
Variant type: single nucleotide variant.
Coding change: c.187+12G>A on transcript NM_025225.3 (MANE Select); 12 bases into the intron after coding-DNA position 187, G replaced by A.
Molecular consequence: intron variant.
Genome position (GRCh38, 1-based): chr22:43,924,110, G>A. VCF-style: chr22-43924110-G-A. GRCh37 (hg19) VCF-style: chr22-44319990-G-A.
Identifiers: ClinVar variation 341926 (VCV000341926.6), dbSNP rs116795637, ClinGen allele CA10277817.
Genomic context (GRCh38, chr22:43,924,110, plus strand): 5'-TCGGCCGGGGCGTTGCACTGCGTCGGCGTCCTCTCCGGTATCCCGCTGGGTGCGTCTGGG[G>A]ACGCTGCCCGGGCTCCACGTGCGGAGTGGGTGCCCCCTAGGCCGGGGAGCGGGGGATCCC-3'